The following is an entry in ClinVar:

ClinVar aggregate classification (germline): Likely benign (1 of 4 stars; one submission).

gnomAD v4.1: 59 of 1,613,474 alleles (0.0037%); highest among the groups gnomAD compares: Non-Finnish European, 0.0044%; no homozygotes.

Submission:

Women's Health and Genetics/Laboratory Corporation of America, LabCorp
Classification: Likely benign. Last evaluated: 2024-08-05. Review status: criteria provided, single submitter. Criteria: LabCorp Variant Classification Summary - May 2015. Collection method: clinical testing. Allele origin: germline.
Comment: Variant summary: PON2 c.899C>T (p.Ser300Leu) results in a non-conservative amino acid change in the encoded protein sequence. Three of five in-silico tools predict a benign effect of the variant on protein function. The variant allele was found at a frequency of 4.4e-05 in 251250 control chromosomes. The observed variant frequency is approximately 2 fold of the estimated maximal expected allele frequency for a pathogenic variant in PON2 causing Early Onset Coronary Artery Disease phenotype (2e-05). To our knowledge, no occurrence of c.899C>T in individuals affected with Early Onset Coronary Artery Disease and no experimental evidence demonstrating its impact on protein function have been reported. No submitters have cited clinical-significance assessments for this variant to ClinVar. Based on the evidence outlined above, the variant was classified as likely benign.

NM_000305.3(PON2):c.899C>T (p.Ser300Leu)

Genes: ASB4 (ankyrin repeat and SOCS box containing 4; plus strand), PON2 (paraoxonase 2; minus strand), LOC107986822 (uncharacterized LOC107986822; plus strand). Cytogenetic location: 7q21.3.
Variant type: single nucleotide variant.
Coding change: c.899C>T on transcript NM_000305.3 (MANE Select); coding-DNA position 899, C replaced by T.
Protein change: p.Ser300Leu; replaces serine 300 with leucine.
Molecular consequence: missense variant.
Genome position (GRCh38, 1-based): chr7:95,406,126, G>A on the plus strand (C>T on the coding strand, the complement: PON2 is on the minus strand). VCF-style: chr7-95406126-G-A. GRCh37 (hg19) VCF-style: chr7-95035438-G-A.
Other names: c.863C>T, p.Ser288Leu (NM_001018161.2); short protein forms S288L, S300L.
Identifiers: ClinVar variation 3366497 (VCV003366497.1).
Genomic context (GRCh38, chr7:95,406,126, plus strand): 5'-TTAGTTCAAAAGGACTTGAATAATTAAGTTTAAAAAACTGAAAATATAAAAACCTCTGAC[G>A]AGGGAGGATTGTTCGGGTCATACACGAAGAGCTTCTGGCCATTAGGATGACAGCCTACCC-3'
Protein context (NP_000296.2, residues 290-310): LFVYDPNNPP[Ser300Leu]SEVLRIQNIL